The following is an entry in ClinVar:

ClinVar aggregate classification (germline): Likely benign (1 of 4 stars; one submission).

Submission:

CeGaT Center for Human Genetics Tuebingen
Classification: Likely benign. Last evaluated: 2023-11-01. Review status: criteria provided, single submitter. Criteria: CeGaT Center For Human Genetics Tuebingen Variant Classification Criteria Version 2. Collection method: clinical testing. Allele origin: germline. Affected: yes. Observed: 1 variant allele.
Comment: NLGN4X: PM2:Supporting, BP4, BP7

NM_181332.3(NLGN4X):c.819C>T (p.Phe273=)

Gene: NLGN4X (neuroligin 4 X-linked; minus strand). Cytogenetic location: Xp22.32.
Variant type: single nucleotide variant.
Coding change: c.819C>T on transcript NM_181332.3 (MANE Select); coding-DNA position 819, C replaced by T.
Protein change: p.Phe273=; no amino-acid change (phenylalanine 273 retained).
Molecular consequence: synonymous variant.
Genome position (GRCh38, 1-based): chrX:5,903,859, G>A on the plus strand (C>T on the coding strand, the complement: NLGN4X is on the minus strand). VCF-style: chrX-5903859-G-A. GRCh37 (hg19) VCF-style: chrX-5821900-G-A.
Other names: c.819C>T, p.Phe273= (NM_001282145.2, NM_001282146.2, NM_020742.4).
Identifiers: ClinVar variation 2673213 (VCV002673213.23), dbSNP rs2518450567, ClinGen allele CA515158531.